The following is an entry in ClinVar:

NM_021956.5(GRIK2):c.1073G>T (p.Arg358Leu)

Gene: GRIK2 (glutamate ionotropic receptor kainate type subunit 2; plus strand). Cytogenetic location: 6q16.3.
Variant type: single nucleotide variant.
Coding change: c.1073G>T on transcript NM_021956.5 (MANE Select); coding-DNA position 1073, G replaced by T.
Protein change: p.Arg358Leu; replaces arginine 358 with leucine.
Molecular consequence: missense variant.
Genome position (GRCh38, 1-based): chr6:101,799,769, G>T. VCF-style: chr6-101799769-G-T. GRCh37 (hg19) VCF-style: chr6-102247644-G-T.
Other names: c.1073G>T, p.Arg358Leu (NM_001166247.1, NM_175768.3); short protein forms R358L.
Identifiers: ClinVar variation 1033987 (VCV001033987.1), dbSNP rs560817419, ClinGen allele CA365305781.

ClinVar aggregate classification (germline): Uncertain significance (1 of 4 stars; one submission).

Conditions:
Intellectual developmental disorder, autosomal recessive 6. Also called: Intellectual disability, autosomal recessive 6. Identifiers: Orphanet 88616, MedGen C1970198, MONDO:0012614, OMIM 611092.

Allele frequency attached by ClinVar (database versions not stated): gnomAD 0.00001; TOPMed below 0.00001.
gnomAD v4.1: 9 of 1,613,034 alleles (0.00056%); highest among the groups gnomAD compares: Non-Finnish European, 0.00076%; no homozygotes.

Submission:

Baylor Genetics
Classification: Uncertain significance for Intellectual developmental disorder, autosomal recessive 6. Last evaluated: 2018-04-03. Review status: criteria provided, single submitter. Criteria: ACMG Guidelines, 2015. Collection method: clinical testing. Allele origin: paternal. Affected: yes.
Comment: This variant was determined to be of uncertain significance according to ACMG Guidelines, 2015 [PMID:25741868].